The following is an entry in ClinVar:

ClinVar aggregate classification (germline): Pathogenic (1 of 4 stars; one submission).

Conditions:
Ellis-van Creveld syndrome (EVC). Also called: EVC-Related Ellis-van Creveld Syndrome; EVC2-Related Ellis-van Creveld Syndrome; MESOECTODERMAL DYSPLASIA; Chondroectodermal dysplasia. Identifiers: Orphanet 289, MedGen C0013903, MONDO:0009162, OMIM 225500.
Curry-Hall syndrome (WAD). Also called: WEYERS ACRODENTAL DYSOSTOSIS. Identifiers: Orphanet 952, MedGen C0457013, MONDO:0008673, OMIM 193530.

Submission:

Labcorp Genetics (formerly Invitae), Labcorp
Classification: Pathogenic for Curry-Hall syndrome; Ellis-van Creveld syndrome. Last evaluated: 2026-02-02. Review status: criteria provided, single submitter. Criteria: Invitae Variant Classification Sherloc (09022015). Collection method: clinical testing. Allele origin: germline.
Comment: This sequence change creates a premature translational stop signal (p.Glu606*) in the EVC2 gene. It is expected to result in an absent or disrupted protein product. Loss-of-function variants in EVC2 are known to be pathogenic (PMID: 17024374, 19810119, 19876929). This variant is not present in population databases (gnomAD no frequency). This variant has not been reported in the literature in individuals affected with EVC2-related conditions. Algorithms developed to predict the effect of sequence changes on RNA splicing suggest that this variant may disrupt the consensus splice site. For these reasons, this variant has been classified as Pathogenic.

Literature cited by the submitters: PubMed 17024374; PubMed 19810119; PubMed 19876929.

NM_147127.5(EVC2):c.1816G>T (p.Glu606Ter)

Gene: EVC2 (EvC ciliary complex subunit 2; minus strand). Cytogenetic location: 4p16.2.
Variant type: single nucleotide variant.
Coding change: c.1816G>T on transcript NM_147127.5 (MANE Select); coding-DNA position 1816, G replaced by T.
Protein change: p.Glu606Ter; replaces glutamic acid 606 with a stop codon.
Molecular consequence: nonsense.
Genome position (GRCh38, 1-based): chr4:5,628,629, C>A on the plus strand (G>T on the coding strand, the complement: EVC2 is on the minus strand). VCF-style: chr4-5628629-C-A. GRCh37 (hg19) VCF-style: chr4-5630356-C-A.
Other names: c.1576G>T, p.Glu526Ter (NM_001166136.2); short protein forms E526*, E606*.
Identifiers: ClinVar variation 4787399 (VCV004787399.1).